The following is an entry in ClinVar:

NM_001543.5(NDST1):c.2207C>T (p.Ala736Val)

Gene: NDST1 (N-deacetylase and N-sulfotransferase 1; plus strand). Cytogenetic location: 5q33.1.
Variant type: single nucleotide variant.
Coding change: c.2207C>T on transcript NM_001543.5 (MANE Select); coding-DNA position 2207, C replaced by T.
Protein change: p.Ala736Val; replaces alanine 736 with valine.
Molecular consequence: missense variant. On other transcripts: intron variant (1).
Genome position (GRCh38, 1-based): chr5:150,548,279, C>T. VCF-style: chr5-150548279-C-T. GRCh37 (hg19) VCF-style: chr5-149927841-C-T.
Other names: c.2146-1399C>T (NM_001301063.2); short protein forms A736V.
Identifiers: ClinVar variation 2367542 (VCV002367542.2), dbSNP rs2480029761, ClinGen allele CA361769217.
Genomic context (GRCh38, chr5:150,548,279, plus strand): 5'-ACCAGCGAGCCCATGACGACCCAGTGGCCCTAAAGTACACCTTCCATGAGGTGATTACCG[C>T]CGGCTCTGACGCATCCTCGAAGCTGCGTGCCCTCCAGAACCGCTGCCTGGTCCCTGGCTG-3'
Protein context (NP_001534.1, residues 726-746): LKYTFHEVIT[Ala736Val]GSDASSKLRA

ClinVar aggregate classification (germline): Uncertain significance (1 of 4 stars; one submission).

Conditions:
Inborn genetic diseases. Identifiers: MedGen C0950123, MeSH D030342.

Submission:

Ambry Genetics
Classification: Uncertain significance for Inborn genetic diseases. Last evaluated: 2022-12-20. Review status: criteria provided, single submitter. Criteria: Ambry Variant Classification Scheme 2023. Collection method: clinical testing. Allele origin: germline.
Comment: The c.2207C>T (p.A736V) alteration is located in exon 12 (coding exon 11) of the NDST1 gene. This alteration results from a C to T substitution at nucleotide position 2207, causing the alanine (A) at amino acid position 736 to be replaced by a valine (V). This variant was not reported in population-based cohorts in the Genome Aggregation Database (gnomAD). This variant has been confirmed in trans with a NDST1 variant of uncertain significance in an individual with developmental delay, hypotonia, poor growth, and ataxia (Ambry internal data; Armstrong, 2017). This amino acid position is highly conserved in available vertebrate species. The in silico prediction for this alteration is inconclusive. Based on insufficient or conflicting evidence, the clinical significance of this alteration remains unclear.

Literature cited by the submitters: PubMed 28211985.